The following is an entry in ClinVar:

NM_000070.3(CAPN3):c.2115+4del

Gene: CAPN3 (calpain 3; plus strand). Cytogenetic location: 15q15.1.
Variant type: Deletion.
Coding change: c.2115+4del on transcript NM_000070.3 (MANE Select); 4 bases into the intron after coding-DNA position 2115, one base deleted (T; older notation c.2115+4delT).
Molecular consequence: intron variant.
Genome position (GRCh38, 1-based): chr15:42,409,999, T deleted. VCF-style (leftmost placement, unchanged base first): chr15-42409998-AT-A. GRCh37 (hg19) VCF-style: chr15-42702196-AT-A.
Other names: c.2097+4del (NM_024344.2); c.1839+4del (NM_173087.2); c.579+4del (NM_173088.2); c.120+4del (NM_173090.2, NM_173089.2).
Identifiers: ClinVar variation 4063935 (VCV004063935.2).

ClinVar aggregate classification (germline): Likely pathogenic (1 of 4 stars; one submission).

Conditions:
Autosomal recessive limb-girdle muscular dystrophy type 2A (LGMDR1). Also called: LEYDEN-MOEBIUS MUSCULAR DYSTROPHY; MUSCULAR DYSTROPHY, PELVOFEMORAL; Limb-girdle muscular dystrophy, type 2A; Calpainopathy; Muscular dystrophy, limb-girdle, type 2A, Amish. Identifiers: Orphanet 267, MedGen C1869123, MONDO:0009675, OMIM 253600. Disease mechanism: loss of function.

Submission:

Natera, Inc.
Classification: Likely pathogenic for Limb-girdle muscular dystrophy type 2A. Last evaluated: 2025-05-26. Review status: criteria provided, single submitter. Criteria: Natera Variant Classification Schema (03/2026). Collection method: clinical testing. Allele origin: germline.
Comment: The c.2115+4del variant in CAPN3 is a frameshift variant predicted to shift the reading frame and introduce a stop codon. This variant is rare in the general population with a frequency below the threshold expected for the associated phenotype(s). This variant has been observed in one or more individuals affected with the associated recessive disease, as either homozygous or compound heterozygous with a second variant (PMID: 26404900). Computational prediction algorithms indicate this variant is likely to affect gene or protein function. Given the available evidence, this variant is classified as Likely Pathogenic.

Literature cited by the submitters: PubMed 26404900.